The following is an entry in ClinVar:

ClinVar aggregate classification (germline): Uncertain significance. Review status: criteria provided, multiple submitters, no conflicts (2 of 4 stars). 2 submissions from 2 submitters: Uncertain significance (2). Last evaluated 2025-01-16.

Conditions:
Leukoencephalopathy with brain stem and spinal cord involvement-high lactate syndrome (LBSL). Also called: LEUKOENCEPHALOPATHY WITH BRAINSTEM AND SPINAL CORD INVOLVEMENT AND LACTATE ELEVATION, MILD; MITOCHONDRIAL ASPARTYL-tRNA SYNTHETASE DEFICIENCY; Leukoencephalopathy with Brainstem and Spinal Cord Involvement and Lactate Elevation. Identifiers: Orphanet 137898, MedGen C1970180, MONDO:0012622, OMIM 611105.

Allele frequency attached by ClinVar (database versions not stated): gnomAD 0.00001; gnomAD exomes 0.00001 and 0.00003; TOPMed 0.00001; ExAC 0.00005.
gnomAD v4.1: 17 of 1,613,834 alleles (0.0011%); highest among the groups gnomAD compares: Non-Finnish European, 0.0013%; no homozygotes.

Submissions (2):

Broad Center for Mendelian Genomics, Broad Institute of MIT and Harvard
Classification: Uncertain significance for Leukoencephalopathy with brain stem and spinal cord involvement-high lactate syndrome. Last evaluated: 2025-01-16. Review status: criteria provided, single submitter. Criteria: ACMG Guidelines, 2015. Collection method: curation. Allele origin: germline. Inheritance: Autosomal recessive inheritance.
Comment: The p.Arg125His variant in DARS2 has been reported in at least 1 individual, in the compound heterozygous state, with leukoencephalopathy with brain stem and spinal cord involvement-high lactate syndrome (PMID: 24566671), and has been identified in 0.002% (1/64002) of European (Finnish) chromosomes by the Genome Aggregation Database (gnomAD; dbSNP rs774630991). Although this variant has been seen in the general population in a heterozygous state, its frequency is low enough to be consistent with a recessive carrier frequency. This variant has also been reported in ClinVar (Variation ID: 1303065) and has been interpreted as a variant of unknown significance by GeneDx. Computational prediction tools and conservation analyses suggest that this variant may impact the protein, though this information is not predictive enough to determine pathogenicity. In summary, the clinical significance of the p.Arg125His variant is uncertain. ACMG/AMP Criteria applied: PP3_moderate, PM3, PM2_supporting (Richards 2015).

GeneDx
Classification: Uncertain significance. Last evaluated: 2019-06-20. Review status: criteria provided, single submitter. Criteria: GeneDx Variant Classification Process June 2021. Collection method: clinical testing. Allele origin: germline. Affected: yes.
Comment: Not observed at a significant frequency in large population cohorts (Lek et al., 2016); In silico analysis, which includes protein predictors and evolutionary conservation, supports a deleterious effect; This variant is associated with the following publications: (PMID: 24566671, 32308605)

NM_018122.5(DARS2):c.374G>A (p.Arg125His)

Gene: DARS2 (aspartyl-tRNA synthetase 2, mitochondrial; plus strand). Cytogenetic location: 1q25.1.
Variant type: single nucleotide variant.
Coding change: c.374G>A on transcript NM_018122.5 (MANE Select); coding-DNA position 374, G replaced by A.
Protein change: p.Arg125His; replaces arginine 125 with histidine.
Molecular consequence: missense variant.
Genome position (GRCh38, 1-based): chr1:173,830,739, G>A. VCF-style: chr1-173830739-G-A. GRCh37 (hg19) VCF-style: chr1-173799877-G-A.
Other names: NM_018122.5(DARS2):c.374G>A; p.Arg125His; c.374G>A, p.Arg125His (NM_001365212.1, NM_001365213.2); short protein forms R125H.
Identifiers: ClinVar variation 1303065 (VCV001303065.3), dbSNP rs774630991, ClinGen allele CA1250109.